The following is an entry in ClinVar:

NM_001197104.2(KMT2A):c.3950A>G (p.Lys1317Arg)

Gene: KMT2A (lysine methyltransferase 2A; plus strand). Cytogenetic location: 11q23.3.
Variant type: single nucleotide variant.
Coding change: c.3950A>G on transcript NM_001197104.2 (MANE Select); coding-DNA position 3950, A replaced by G.
Protein change: p.Lys1317Arg; replaces lysine 1317 with arginine.
Molecular consequence: missense variant.
Genome position (GRCh38, 1-based): chr11:118,482,030, A>G. VCF-style: chr11-118482030-A-G. GRCh37 (hg19) VCF-style: chr11-118352745-A-G.
Other names: c.4049A>G, p.Lys1350Arg (NM_001412597.1); c.3950A>G, p.Lys1317Arg (NM_005933.4); short protein forms K1317R, K1350R.
Identifiers: ClinVar variation 2113093 (VCV002113093.5), dbSNP rs782604487, ClinGen allele CA6303751.

ClinVar aggregate classification (germline): Uncertain significance. Review status: criteria provided, multiple submitters, no conflicts (2 of 4 stars). 2 submissions from 2 submitters: Uncertain significance (2). Last evaluated 2025-12-20.

Conditions:
Inborn genetic diseases. Identifiers: MedGen C0950123, MeSH D030342.

Allele frequency attached by ClinVar (database versions not stated): gnomAD exomes below 0.00001; TOPMed 0.00005; ExAC 0.00001; gnomAD 0.00001.
gnomAD v4.1: 5 of 1,614,024 alleles (0.00031%); highest among the groups gnomAD compares: African/African-American, 0.0053%; no homozygotes.

Submissions (2):

Labcorp Genetics (formerly Invitae), Labcorp
Classification: Uncertain significance. Last evaluated: 2025-12-20. Review status: criteria provided, single submitter. Criteria: Invitae Variant Classification Sherloc (09022015). Collection method: clinical testing. Allele origin: germline.
Comment: This sequence change replaces lysine, which is basic and polar, with arginine, which is basic and polar, at codon 1317 of the KMT2A protein (p.Lys1317Arg). This variant is present in population databases (rs782604487, gnomAD 0.007%). This variant has not been reported in the literature in individuals affected with KMT2A-related conditions. ClinVar contains an entry for this variant (Variation ID: 2113093). Invitae Evidence Modeling of protein sequence and biophysical properties (such as structural, functional, and spatial information, amino acid conservation, physicochemical variation, residue mobility, and thermodynamic stability) has been performed for this missense variant. However, the output from this modeling did not meet the statistical confidence thresholds required to predict the impact of this variant on KMT2A protein function. In summary, the available evidence is currently insufficient to determine the role of this variant in disease. Therefore, it has been classified as a Variant of Uncertain Significance.

Ambry Genetics
Classification: Uncertain significance for Inborn genetic diseases. Last evaluated: 2025-04-03. Review status: criteria provided, single submitter. Criteria: Ambry Variant Classification Scheme 2023. Collection method: clinical testing. Allele origin: germline.